The following is an entry in ClinVar:

NM_006231.4(POLE):c.4520A>G (p.Gln1507Arg)

Gene: POLE (DNA polymerase epsilon, catalytic subunit; minus strand). Cytogenetic location: 12q24.33.
Variant type: single nucleotide variant.
Coding change: c.4520A>G on transcript NM_006231.4 (MANE Select); coding-DNA position 4520, A replaced by G.
Protein change: p.Gln1507Arg; replaces glutamine 1507 with arginine.
Molecular consequence: missense variant.
Genome position (GRCh38, 1-based): chr12:132,643,255, T>C on the plus strand (A>G on the coding strand, the complement: POLE is on the minus strand). VCF-style: chr12-132643255-T-C. GRCh37 (hg19) VCF-style: chr12-133219841-T-C.
Other names: short protein forms Q1507R.
Identifiers: ClinVar variation 943284 (VCV000943284.11), dbSNP rs752475451, ClinGen allele CA6892820.

ClinVar aggregate classification (germline): Uncertain significance. Review status: criteria provided, multiple submitters, no conflicts (2 of 4 stars). 2 submissions from 2 submitters: Uncertain significance (2). Last evaluated 2025-08-24.

Conditions:
Hereditary cancer-predisposing syndrome. Also called: Neoplastic Syndromes, Hereditary; Hereditary Cancer Syndrome; Tumor predisposition; Hereditary neoplastic syndrome. Identifiers: Orphanet 140162, MedGen C0027672, MeSH D009386, MONDO:0015356.

Allele frequency attached by ClinVar (database versions not stated): gnomAD exomes below 0.00001 and 0.00001; ExAC 0.00001.
gnomAD v4.1: 3 of 1,613,866 alleles (0.00019%); highest among the groups gnomAD compares: Non-Finnish European, 0.00025%; no homozygotes.

Submissions (2):

Labcorp Genetics (formerly Invitae), Labcorp
Classification: Uncertain significance. Last evaluated: 2025-08-24. Review status: criteria provided, single submitter. Criteria: Invitae Variant Classification Sherloc (09022015). Collection method: clinical testing. Allele origin: germline.
Comment: This sequence change replaces glutamine, which is neutral and polar, with arginine, which is basic and polar, at codon 1507 of the POLE protein (p.Gln1507Arg). This variant is present in population databases (rs752475451, gnomAD 0.0009%). This variant has not been reported in the literature in individuals affected with POLE-related conditions. ClinVar contains an entry for this variant (Variation ID: 943284). Invitae Evidence Modeling of protein sequence and biophysical properties (such as structural, functional, and spatial information, amino acid conservation, physicochemical variation, residue mobility, and thermodynamic stability) indicates that this missense variant is not expected to disrupt POLE protein function with a negative predictive value of 80%. In summary, the available evidence is currently insufficient to determine the role of this variant in disease. Therefore, it has been classified as a Variant of Uncertain Significance.

Ambry Genetics
Classification: Uncertain significance for Hereditary cancer-predisposing syndrome. Last evaluated: 2024-12-28. Review status: criteria provided, single submitter. Criteria: Ambry Variant Classification Scheme 2023. Collection method: clinical testing. Allele origin: germline.
Comment: The p.Q1507R variant (also known as c.4520A>G), located in coding exon 35 of the POLE gene, results from an A to G substitution at nucleotide position 4520. The glutamine at codon 1507 is replaced by arginine, an amino acid with highly similar properties. This amino acid position is highly conserved in available vertebrate species. In addition, the in silico prediction for this alteration is inconclusive. Based on the available evidence, the clinical significance of this variant remains unclear.